The following is an entry in ClinVar:

ClinVar aggregate classification (germline): Uncertain significance (1 of 4 stars; one submission).

Allele frequency attached by ClinVar (database versions not stated): gnomAD exomes below 0.00001.
gnomAD v4.1: 2 of 1,613,580 alleles (0.00012%); highest among the groups gnomAD compares: Non-Finnish European, 0.00017%; no homozygotes.

Submission:

GeneDx
Classification: Uncertain significance. Last evaluated: 2022-04-04. Review status: criteria provided, single submitter. Criteria: GeneDx Variant Classification Process June 2021. Collection method: clinical testing. Allele origin: germline. Affected: yes.
Comment: Has not been previously published as pathogenic or benign to our knowledge; Not observed at significant frequency in large population cohorts (gnomAD); In silico analysis supports that this missense variant does not alter protein structure/function

NM_001242896.3(DEPDC5):c.3863G>A (p.Ser1288Asn)

Gene: DEPDC5 (DEP domain containing 5, GATOR1 subcomplex subunit; plus strand). Cytogenetic location: 22q12.3.
Variant type: single nucleotide variant.
Coding change: c.3863G>A on transcript NM_001242896.3 (MANE Select); coding-DNA position 3863, G replaced by A.
Protein change: p.Ser1288Asn; replaces serine 1288 with asparagine.
Molecular consequence: missense variant. On other transcripts: non-coding transcript variant (5).
Genome position (GRCh38, 1-based): chr22:31,879,582, G>A. VCF-style: chr22-31879582-G-A. GRCh37 (hg19) VCF-style: chr22-32275568-G-A.
Other names: c.3836G>A, p.Ser1279Asn (NM_001136029.4); c.3563G>A, p.Ser1188Asn (NM_001242897.2); c.3797G>A, p.Ser1266Asn (NM_001363852.2, NM_001364320.2); c.3629G>A, p.Ser1210Asn (NM_001363854.2, NM_001364319.2); c.3863G>A, p.Ser1288Asn (NM_001364318.2); c.3779G>A, p.Ser1260Asn (NM_001369901.1, NM_001369902.1); c.3770G>A, p.Ser1257Asn (NM_001369903.1, NM_014662.6); short protein forms S1188N, S1210N, S1257N, S1260N, S1266N, S1279N, S1288N.
Identifiers: ClinVar variation 1707852 (VCV001707852.2), dbSNP rs1460885519, ClinGen allele CA411281944.
Genomic context (GRCh38, chr22:31,879,582, plus strand): 5'-CAGTGGCCATGCAGCAGCCCGCCACCACCTGGCACACAGCAGGAGTGGACGACTTCGCCA[G>A]CTTCCAGCGCAAGTGGTTTGAGGTGGCCTTTGTGGCAGAAGAGCTCGTGCACTCTGAGAT-3'
Protein context (NP_001229825.1, residues 1278-1298): WHTAGVDDFA[Ser1288Asn]FQRKWFEVAF